The following is an entry in ClinVar:

NM_000061.3(BTK):c.282C>G (p.Ile94Met)

Gene: BTK (Bruton tyrosine kinase; minus strand). Cytogenetic location: Xq22.1.
Variant type: single nucleotide variant.
Coding change: c.282C>G on transcript NM_000061.3 (MANE Select); coding-DNA position 282, C replaced by G.
Protein change: p.Ile94Met; replaces isoleucine 94 with methionine.
Molecular consequence: missense variant.
Genome position (GRCh38, 1-based): chrX:101,371,660, G>C on the plus strand (C>G on the coding strand, the complement: BTK is on the minus strand). VCF-style: chrX-101371660-G-C. GRCh37 (hg19) VCF-style: chrX-100626648-G-C.
Other names: c.384C>G, p.Ile128Met (NM_001287344.2); c.282C>G, p.Ile94Met (NM_001287345.2); short protein forms I94M, I128M.
Identifiers: ClinVar variation 1388835 (VCV001388835.6), dbSNP rs2147444915, ClinGen allele CA413938089.

ClinVar aggregate classification (germline): Uncertain significance (1 of 4 stars; one submission).

Conditions:
X-linked agammaglobulinemia with growth hormone deficiency (IGHD3). Also called: AGAMMAGLOBULINEMIA AND ISOLATED GROWTH HORMONE DEFICIENCY, X-LINKED; ISOLATED GROWTH HORMONE DEFICIENCY, TYPE III, WITH AGAMMAGLOBULINEMIA; FLEISHER SYNDROME; HYPOGAMMAGLOBULINEMIA AND ISOLATED GROWTH HORMONE DEFICIENCY, X-LINKED; Isolated growth hormone deficiency type 3; Growth hormone deficiency with hypogammaglobulinemia. Identifiers: Orphanet 231692, Orphanet 631, MedGen C0472813, MONDO:0010615, OMIM 307200.

Submission:

Labcorp Genetics (formerly Invitae), Labcorp
Classification: Uncertain significance for X-linked agammaglobulinemia with growth hormone deficiency. Last evaluated: 2021-10-23. Review status: criteria provided, single submitter. Criteria: Invitae Variant Classification Sherloc (09022015). Collection method: clinical testing. Allele origin: germline.
Comment: This sequence change replaces isoleucine with methionine at codon 94 of the BTK protein (p.Ile94Met). The isoleucine residue is moderately conserved and there is a small physicochemical difference between isoleucine and methionine. In summary, the available evidence is currently insufficient to determine the role of this variant in disease. Therefore, it has been classified as a Variant of Uncertain Significance. Advanced modeling of protein sequence and biophysical properties (such as structural, functional, and spatial information, amino acid conservation, physicochemical variation, residue mobility, and thermodynamic stability) performed at Invitae indicates that this missense variant is not expected to disrupt BTK protein function. This variant has not been reported in the literature in individuals affected with BTK-related conditions. This variant is not present in population databases (ExAC no frequency).